The following is an entry in ClinVar:

NM_003924.4(PHOX2B):c.429+4C>A

Gene: PHOX2B (paired like homeobox 2B; minus strand). Cytogenetic location: 4p13.
Variant type: single nucleotide variant.
Coding change: c.429+4C>A on transcript NM_003924.4 (MANE Select); 4 bases into the intron after coding-DNA position 429, C replaced by A.
Molecular consequence: intron variant.
Genome position (GRCh38, 1-based): chr4:41,747,345, G>T on the plus strand (C>A on the coding strand, the complement: PHOX2B is on the minus strand). VCF-style: chr4-41747345-G-T. GRCh37 (hg19) VCF-style: chr4-41749362-G-T.
Identifiers: ClinVar variation 824760 (VCV000824760.14), dbSNP rs1173248729, ClinGen allele CA551141214.

ClinVar aggregate classification (germline): Uncertain significance. Review status: criteria provided, multiple submitters, no conflicts (2 of 4 stars). 2 submissions from 2 submitters: Uncertain significance (2). Last evaluated 2025-01-19.

Conditions:
Hereditary cancer-predisposing syndrome. Also called: Neoplastic Syndromes, Hereditary; Tumor predisposition; Hereditary neoplastic syndrome; Hereditary Cancer Syndrome. Identifiers: Orphanet 140162, MedGen C0027672, MeSH D009386, MONDO:0015356.
Haddad syndrome (OHD). Also called: Ondine-Hirschsprung disease. Identifiers: Orphanet 99803, MedGen C1859049, MONDO:0020493.

gnomAD v4.1: 38 of 1,604,256 alleles (0.0024%); highest among the groups gnomAD compares: Non-Finnish European, 0.0031%; no homozygotes.

Submissions (2):

Ambry Genetics
Classification: Uncertain significance for Hereditary cancer-predisposing syndrome. Last evaluated: 2025-01-19. Review status: criteria provided, single submitter. Criteria: Ambry Variant Classification Scheme 2023. Collection method: clinical testing. Allele origin: germline.
Comment: The c.429+4C>A intronic variant results from a C to A substitution 4 nucleotides after coding exon 2 in the PHOX2B gene. This nucleotide position is not well conserved in available vertebrate species. In silico splice site analysis predicts that this alteration will not have any significant effect on splicing. Based on the available evidence, the clinical significance of this variant remains unclear.

Labcorp Genetics (formerly Invitae), Labcorp
Classification: Uncertain significance for Haddad syndrome. Last evaluated: 2022-05-27. Review status: criteria provided, single submitter. Criteria: Invitae Variant Classification Sherloc (09022015). Collection method: clinical testing. Allele origin: germline.
Comment: This sequence change falls in intron 2 of the PHOX2B gene. It does not directly change the encoded amino acid sequence of the PHOX2B protein. It affects a nucleotide within the consensus splice site. This variant is not present in population databases (gnomAD no frequency). This variant has not been reported in the literature in individuals affected with PHOX2B-related conditions. ClinVar contains an entry for this variant (Variation ID: 824760). Variants that disrupt the consensus splice site are a relatively common cause of aberrant splicing (PMID: 17576681, 9536098). Algorithms developed to predict the effect of sequence changes on RNA splicing suggest that this variant is not likely to affect RNA splicing. In summary, the available evidence is currently insufficient to determine the role of this variant in disease. Therefore, it has been classified as a Variant of Uncertain Significance.

Literature cited by the submitters: PubMed 17576681 (cited by Labcorp Genetics (formerly Invitae), Labcorp); PubMed 9536098 (cited by Labcorp Genetics (formerly Invitae), Labcorp).